The following is an entry in ClinVar:

ClinVar aggregate classification (germline): Uncertain significance (1 of 4 stars; one submission).

Allele frequency attached by ClinVar (database versions not stated): gnomAD 0.00001; ExAC 0.00002.
gnomAD v4.1: 39 of 1,611,764 alleles (0.0024%); highest among the groups gnomAD compares: Non-Finnish European, 0.00042%; no homozygotes.

Submission:

GeneDx
Classification: Uncertain significance. Last evaluated: 2025-07-24. Review status: criteria provided, single submitter. Criteria: GeneDx Variant Classification Process June 2021. Collection method: clinical testing. Allele origin: germline.
Comment: In silico analysis supports that this missense variant has a deleterious effect on protein structure/function; Has not been previously published as pathogenic or benign to our knowledge

NM_012463.4(ATP6V0A2):c.230T>G (p.Ile77Ser)

Gene: ATP6V0A2 (ATPase H+ transporting V0 subunit a2; plus strand). Cytogenetic location: 12q24.31.
Variant type: single nucleotide variant.
Coding change: c.230T>G on transcript NM_012463.4 (MANE Select); coding-DNA position 230, T replaced by G.
Protein change: p.Ile77Ser; replaces isoleucine 77 with serine.
Molecular consequence: missense variant.
Genome position (GRCh38, 1-based): chr12:123,722,384, T>G. VCF-style: chr12-123722384-T-G. GRCh37 (hg19) VCF-style: chr12-124206931-T-G.
Other names: short protein forms I77S.
Identifiers: ClinVar variation 2573812 (VCV002573812.2), dbSNP rs755687004, ClinGen allele CA6861530.